The following is an entry in ClinVar:

ClinVar aggregate classification (germline): Uncertain significance (1 of 4 stars; one submission).

Allele frequency attached by ClinVar (database versions not stated): gnomAD 0.00001; gnomAD exomes 0.00001.
gnomAD v4.1: 6 of 1,614,080 alleles (0.00037%); highest among the groups gnomAD compares: Non-Finnish European, 0.00051%; no homozygotes.

Submission:

Labcorp Genetics (formerly Invitae), Labcorp
Classification: Uncertain significance. Last evaluated: 2022-06-09. Review status: criteria provided, single submitter. Criteria: Invitae Variant Classification Sherloc (09022015). Collection method: clinical testing. Allele origin: germline.
Comment: In summary, the available evidence is currently insufficient to determine the role of this variant in disease. Therefore, it has been classified as a Variant of Uncertain Significance. Algorithms developed to predict the effect of missense changes on protein structure and function (SIFT, PolyPhen-2, Align-GVGD) all suggest that this variant is likely to be disruptive. This variant has not been reported in the literature in individuals affected with MYH3-related conditions. This variant is present in population databases (no rsID available, gnomAD 0.007%). This sequence change replaces arginine, which is basic and polar, with glycine, which is neutral and non-polar, at codon 1575 of the MYH3 protein (p.Arg1575Gly).

NM_002470.4(MYH3):c.4723A>G (p.Arg1575Gly)

Gene: MYH3 (myosin heavy chain 3; minus strand). Cytogenetic location: 17p13.1.
Variant type: single nucleotide variant.
Coding change: c.4723A>G on transcript NM_002470.4 (MANE Select); coding-DNA position 4723, A replaced by G.
Protein change: p.Arg1575Gly; replaces arginine 1575 with glycine.
Molecular consequence: missense variant.
Genome position (GRCh38, 1-based): chr17:10,632,709, T>C on the plus strand (A>G on the coding strand, the complement: MYH3 is on the minus strand). VCF-style: chr17-10632709-T-C. GRCh37 (hg19) VCF-style: chr17-10536026-T-C.
Other names: short protein forms R1575G.
Identifiers: ClinVar variation 2087604 (VCV002087604.4), dbSNP rs1295795825, ClinGen allele CA398137780.